The following is an entry in ClinVar:

NM_032608.7(MYO18B):c.881A>G (p.Glu294Gly)

Gene: MYO18B (myosin XVIIIB; plus strand). Cytogenetic location: 22q12.1.
Variant type: single nucleotide variant.
Coding change: c.881A>G on transcript NM_032608.7 (MANE Select); coding-DNA position 881, A replaced by G.
Protein change: p.Glu294Gly; replaces glutamic acid 294 with glycine.
Molecular consequence: missense variant.
Genome position (GRCh38, 1-based): chr22:25,768,797, A>G. VCF-style: chr22-25768797-A-G. GRCh37 (hg19) VCF-style: chr22-26164764-A-G.
Other names: c.881A>G, p.Glu294Gly (NM_001318245.2); short protein forms E294G.
Identifiers: ClinVar variation 2991810 (VCV002991810.3), dbSNP rs2517657688, ClinGen allele CA411003654.

ClinVar aggregate classification (germline): Uncertain significance (1 of 4 stars; one submission).

Allele frequency attached by ClinVar (database versions not stated): gnomAD exomes below 0.00001.
gnomAD v4.1: 2 of 1,610,178 alleles (0.00012%); highest among the groups gnomAD compares: East Asian, 0.0045%; no homozygotes.

Submission:

Labcorp Genetics (formerly Invitae), Labcorp
Classification: Uncertain significance. Last evaluated: 2023-09-10. Review status: criteria provided, single submitter. Criteria: Invitae Variant Classification Sherloc (09022015). Collection method: clinical testing. Allele origin: germline.
Comment: In summary, the available evidence is currently insufficient to determine the role of this variant in disease. Therefore, it has been classified as a Variant of Uncertain Significance. Algorithms developed to predict the effect of missense changes on protein structure and function output the following: SIFT: "Not Available"; PolyPhen-2: "Benign"; Align-GVGD: "Not Available". The glycine amino acid residue is found in multiple mammalian species, which suggests that this missense change does not adversely affect protein function. This variant has not been reported in the literature in individuals affected with MYO18B-related conditions. This variant is not present in population databases (gnomAD no frequency). This sequence change replaces glutamic acid, which is acidic and polar, with glycine, which is neutral and non-polar, at codon 294 of the MYO18B protein (p.Glu294Gly).